The following is an entry in ClinVar:

NM_021930.6(RINT1):c.2134C>A (p.Leu712Ile)

Genes: EFCAB10 (EF-hand calcium binding domain 10; minus strand), RINT1 (RAD50 interactor 1; plus strand). Cytogenetic location: 7q22.3.
Variant type: single nucleotide variant.
Coding change: c.2134C>A on transcript NM_021930.6 (MANE Select); coding-DNA position 2134, C replaced by A.
Protein change: p.Leu712Ile; replaces leucine 712 with isoleucine.
Molecular consequence: missense variant. On other transcripts: non-coding transcript variant (1), intron variant (2).
Genome position (GRCh38, 1-based): chr7:105,565,596, C>A. VCF-style: chr7-105565596-C-A. GRCh37 (hg19) VCF-style: chr7-105206043-C-A.
Other names: c.403G>T, p.Asp135Tyr (NM_001355530.2); c.1900C>A, p.Leu634Ile (NM_001346599.2); c.1111C>A, p.Leu371Ile (NM_001346600.2, NM_001346603.2); c.1210C>A, p.Leu404Ile (NM_001346601.2); c.360-149G>T (NM_001355531.2); c.384-149G>T (NM_001355526.2); short protein forms D135Y, L404I, L371I, L634I, L712I.
Identifiers: ClinVar variation 4154582 (VCV004154582.1).

ClinVar aggregate classification (germline): Uncertain significance (1 of 4 stars; one submission).

gnomAD v4.1: 6 of 1,613,962 alleles (0.00037%); highest among the groups gnomAD compares: African/African-American, 0.0067%; no homozygotes.

Submission:

Ambry Genetics
Classification: Uncertain significance. Last evaluated: 2025-08-07. Review status: criteria provided, single submitter. Criteria: Ambry Variant Classification Scheme 2023. Collection method: clinical testing. Allele origin: germline.
Comment: The p.L712I variant (also known as c.2134C>A), located in coding exon 14 of the RINT1 gene, results from a C to A substitution at nucleotide position 2134. The leucine at codon 712 is replaced by isoleucine, an amino acid with highly similar properties. This amino acid position is conserved. In addition, this alteration is predicted to be deleterious by in silico analysis. Based on the available evidence, the clinical significance of this variant remains unclear.